The following is an entry in ClinVar:

NM_001372106.1(DNAH10):c.4495G>C (p.Val1499Leu)

Gene: DNAH10 (dynein axonemal heavy chain 10; plus strand). Cytogenetic location: 12q24.31.
Variant type: single nucleotide variant.
Coding change: c.4495G>C on transcript NM_001372106.1 (MANE Select); coding-DNA position 4495, G replaced by C.
Protein change: p.Val1499Leu; replaces valine 1499 with leucine.
Molecular consequence: missense variant.
Genome position (GRCh38, 1-based): chr12:123,830,649, G>C. VCF-style: chr12-123830649-G-C. GRCh37 (hg19) VCF-style: chr12-124315196-G-C.
Other names: c.4141G>C, p.Val1381Leu (NM_001083900.1, NM_207437.3); short protein forms V1381L, V1499L.
Identifiers: ClinVar variation 3058652 (VCV003058652.3), dbSNP rs150228824, ClinGen allele CA6863595.

ClinVar aggregate classification (germline): Uncertain significance. Review status: criteria provided, single submitter (1 of 4 stars). 2 submissions from 2 submitters: Uncertain significance (1). 1 of the submissions does not count toward it. Last evaluated 2025-08-27.

Conditions:
DNAH10-related disorder. Also called: DNAH10-related condition.

Allele frequency attached by ClinVar (database versions not stated): gnomAD exomes 0.00016; ExAC 0.00036; 1000 Genomes Project 0.00080; 1000 Genomes Project 30x 0.00125.
gnomAD v4.1: 252 of 1,613,722 alleles (0.016%); highest among the groups gnomAD compares: East Asian, 0.43%; 1 homozygote.

Submissions (2):

Ambry Genetics
Classification: Uncertain significance. Last evaluated: 2025-08-27. Review status: criteria provided, single submitter. Criteria: Ambry Variant Classification Scheme 2023. Collection method: clinical testing. Allele origin: germline.

PreventionGenetics, part of Exact Sciences
Classification: Likely benign for DNAH10-related condition. Last evaluated: 2020-05-11. Review status: no assertion criteria provided. Collection method: clinical testing. Allele origin: germline. Not counted in ClinVar's aggregate classification.
Comment: This variant is classified as likely benign based on ACMG/AMP sequence variant interpretation guidelines (Richards et al. 2015 PMID: 25741868, with internal and published modifications).